The following is an entry in ClinVar:

NM_025114.4(CEP290):c.6241C>T (p.Gln2081Ter)

Gene: CEP290 (centrosomal protein 290; minus strand). Cytogenetic location: 12q21.32.
Variant type: single nucleotide variant.
Coding change: c.6241C>T on transcript NM_025114.4 (MANE Select); coding-DNA position 6241, C replaced by T.
Protein change: p.Gln2081Ter; replaces glutamine 2081 with a stop codon.
Molecular consequence: nonsense.
Genome position (GRCh38, 1-based): chr12:88,064,010, G>A on the plus strand (C>T on the coding strand, the complement: CEP290 is on the minus strand). VCF-style: chr12-88064010-G-A. GRCh37 (hg19) VCF-style: chr12-88457787-G-A.
Other names: short protein forms Q2081*.
Identifiers: ClinVar variation 3754816 (VCV003754816.2).
Genomic context (GRCh38, chr12:88,064,010, plus strand): 5'-TAGATTTCCTAATAAAAAACATTAAATTCACCTTTAATCTTGGCAAATCTTTATTTGCTT[G>A]TTCAAGCTGAAATTTCAGTTCAATATTTTCAGATGACAACTTCAAGTTTTCCTTCTGAAG-3'

ClinVar aggregate classification (germline): Pathogenic (1 of 4 stars; one submission).

Conditions:
Joubert syndrome. Also called: CEREBELLOPARENCHYMAL DISORDER IV; JOUBERT-BOLTSHAUSER SYNDROME; Familial aplasia of the vermis. Identifiers: Orphanet 475, MedGen C5979921, MONDO:0018772.
Nephronophthisis. Also called: Juvenile Nephronophthisis. Identifiers: Orphanet 655, MedGen C0687120, MONDO:0019005, HP:0000090.
Meckel-Gruber syndrome. Also called: DYSENCEPHALIA SPLANCHNOCYSTICA; GRUBER SYNDROME; Dysencephalia splachnocystica. Identifiers: Orphanet 564, MedGen C0265215, MONDO:0018921.

gnomAD v4.1: 1 of 1,598,188 alleles (0.000063%); highest among the groups gnomAD compares: Non-Finnish European, 0.000085%; no homozygotes.

Submission:

Labcorp Genetics (formerly Invitae), Labcorp
Classification: Pathogenic for Joubert syndrome; Meckel-Gruber syndrome; Nephronophthisis. Last evaluated: 2024-02-19. Review status: criteria provided, single submitter. Criteria: Invitae Variant Classification Sherloc (09022015). Collection method: clinical testing. Allele origin: germline.
Comment: This sequence change creates a premature translational stop signal (p.Gln2081*) in the CEP290 gene. It is expected to result in an absent or disrupted protein product. Loss-of-function variants in CEP290 are known to be pathogenic (PMID: 16909394, 17345604, 20690115). This variant is not present in population databases (gnomAD no frequency). This variant has not been reported in the literature in individuals affected with CEP290-related conditions. Algorithms developed to predict the effect of sequence changes on RNA splicing suggest that this variant may disrupt the consensus splice site. For these reasons, this variant has been classified as Pathogenic.

Literature cited by the submitters: PubMed 16909394; PubMed 17345604; PubMed 20690115.